The following is an entry in ClinVar:

ClinVar aggregate classification (germline): Conflicting classifications of pathogenicity. Review status: criteria provided, conflicting classifications (1 of 4 stars). 11 submissions from 11 submitters: Uncertain significance (7); Likely benign (3). 1 of the submissions does not count toward it. Last evaluated 2026-02-03.

Conditions:
MSH6-related disorder. Also called: MSH6-related condition; MSH6-Related disorders.
Hereditary nonpolyposis colorectal neoplasms. Identifiers: MedGen C0009405, MeSH D003123.
Hereditary cancer-predisposing syndrome. Also called: Neoplastic Syndromes, Hereditary; Tumor predisposition; Hereditary neoplastic syndrome; Hereditary Cancer Syndrome. Identifiers: Orphanet 140162, MedGen C0027672, MeSH D009386, MONDO:0015356.
Lynch syndrome. Identifiers: Orphanet 144, MedGen C4552100, MONDO:0005835. Disease mechanism: loss of function.
Lynch syndrome 5 (LYNCH5). Also called: Colorectal cancer, hereditary nonpolyposis, type 5; Hereditary non-polyposis colorectal cancer, type 5. Identifiers: Orphanet 144, MedGen C1833477, MONDO:0013710, OMIM 614350. Disease mechanism: loss of function.
Endometrial carcinoma. Also called: Endometrial carcinoma, somatic. Identifiers: MedGen C0476089, MONDO:0002447, OMIM 608089, HP:0012114.

Allele frequency attached by ClinVar (database versions not stated): gnomAD exomes 0.00003 and 0.00004; ExAC 0.00004; gnomAD 0.00005 and 0.00006; TOPMed 0.00006.
gnomAD v4.1: 56 of 1,606,498 alleles (0.0035%); highest among the groups gnomAD compares: Admixed American, 0.0084%; no homozygotes.

Submissions (11):

Labcorp Genetics (formerly Invitae), Labcorp
Classification: Likely benign for Hereditary nonpolyposis colorectal neoplasms. Last evaluated: 2026-02-03. Review status: criteria provided, single submitter. Criteria: Invitae Variant Classification Sherloc (09022015). Collection method: clinical testing. Allele origin: germline.

Myriad Genetics, Inc.
Classification: Likely benign for Lynch syndrome 5. Last evaluated: 2025-09-30. Review status: criteria provided, single submitter. Criteria: Myriad Autosomal Dominant, Autosomal Recessive and X-Linked Classification Criteria (2023). Collection method: clinical testing. Allele origin: unknown.
Comment: This variant is considered likely benign. This variant is strongly associated with less severe personal and family histories of cancer, typical for individuals without pathogenic variants in this gene [PMID: 27363726].

Women's Health and Genetics/Laboratory Corporation of America, LabCorp
Classification: Uncertain significance. Last evaluated: 2025-09-17. Review status: criteria provided, single submitter. Criteria: LabCorp Variant Classification Summary - May 2015. Collection method: clinical testing. Allele origin: germline.
Comment: Variant summary: MSH6 c.4000C>T (p.Arg1334Trp) results in a non-conservative amino acid change in the encoded protein sequence. Algorithms developed to predict the effect of missense changes on protein structure and function all suggest that this variant is likely to be disruptive. Consensus agreement among computation tools predict no significant impact on normal splicing. However, these predictions have yet to be confirmed by functional studies. The variant allele was found at a frequency of 3.7e-05 in 244568 control chromosomes (gnomAD). The available data on variant occurrences in the general population are insufficient to allow any conclusion about variant significance. c.4000C>T has been observed in individuals as a somatic occurrence in individuals affected with chronic lymphocytic leukemia, HNSCC, polyposis and endometrial cancer (Landau_2013, Martin_2014, Elsayed_2015) and as germline occurrence in individuals affected with cancer including colorectal, pancreatic and breast cancer (Chubb_2015, Dudley_2018, Li_2020, Dorling_2021, Hu_2022), but it was also reported in controls (Dorling_2021). These reports do not provide unequivocal conclusions about association of the variant with Hereditary Nonpolyposis Colorectal Cancer. To our knowledge, no experimental evidence demonstrating an impact on protein function has been reported. The following publications have been ascertained in the context of this evaluation (PMID: 23415222, 25559809, 25275298, 25370038, 29360161, 31391288, 33471991, 35449176). ClinVar contains an entry for this variant (Variation ID: 184389). Based on the evidence outlined above, the variant was classified as uncertain significance.

PreventionGenetics, part of Exact Sciences
Classification: Uncertain significance for MSH6-related condition. Last evaluated: 2025-05-12. Review status: criteria provided, single submitter. Criteria: ACMG Guidelines, 2015. Collection method: clinical testing. Allele origin: germline.
Comment: The MSH6 c.4000C>T variant is predicted to result in the amino acid substitution p.Arg1334Trp. This variant has been reported in patients with breast, colorectal, and pancreatic cancers, but it has also been reported in control individuals (Supplemental Data, Dorling et al. 2021. PubMed ID: 33471991; Table A1, Chubb et al. 2015. PubMed ID: 25559809; Table S5, Li et al. 2020. PubMed ID: 31391288; Supporting Table 1, Dudley et al. 2018. PubMed ID: 29360161). This variant is reported in 0.012% of alleles in individuals of African descent in gnomAD and has conflicting interpretations regarding its pathogenicity in ClinVar, ranging from likely benign to uncertain. At this time, the clinical significance of this variant is uncertain due to the absence of conclusive functional and genetic evidence.

Quest Diagnostics Nichols Institute San Juan Capistrano
Classification: Uncertain significance. Last evaluated: 2025-04-30. Review status: criteria provided, single submitter. Criteria: Quest Diagnostics criteria. Collection method: clinical testing. Allele origin: unknown.
Comment: The MSH6 c.4000C>T (p.Arg1334Trp) variant has been reported in the published literature in individuals with colon cancer (PMID: 25559809 (2015)), pancreatic and breast cancer (PMID: 29360161 (2018)), breast cancer (PMID: 35449176 (2022)), an unspecified cancer (PMID: 31391288 (2020)), and reportedly unaffected individuals (PMID: 36243179 (2022)). In a large scale breast cancer association study, this variant has been observed in breast cancer cases and reportedly unaffected individuals (PMID: 33471991 (2021), see also LOVD). The frequency of this variant in the general population (Genome Aggregation Database) is uninformative in the assessment of its pathogenicity. Analysis of this variant using bioinformatics tools for the prediction of the effect of amino acid changes on protein structure and function yielded inconclusive and damaging findings. Based on the available information, we are unable to determine the clinical significance of this variant.

All of Us Research Program, National Institutes of Health
Classification: Uncertain significance for Lynch syndrome. Last evaluated: 2024-05-14. Review status: criteria provided, single submitter. Criteria: ACMG Guidelines, 2015. Collection method: clinical testing. Allele origin: germline. Inheritance: Autosomal dominant inheritance. Observed: 7 variant alleles, 7 heterozygotes.
Comment: This missense variant replaces arginine with tryptophan at codon 1334 of the MSH6 protein. Computational prediction is inconclusive regarding the impact of this variant on protein structure and function (internally defined REVEL score threshold 0.5 < inconclusive < 0.7, PMID: 27666373). To our knowledge, functional studies have not been reported for this variant. This variant has been reported in an individual affected by early-onset, familial colorectal cancer (PMID: 25559809) and in an individual affected with an unspecified cancer (PMID: 31391288). In a large breast cancer case-control study, this variant was reported in 6/60466 cases and 2/53461 unaffected controls (PMID: 33471991). This variant has been identified in 11/275890 chromosomes in the general population by the Genome Aggregation Database (gnomAD). Different variants affecting the same codon, c.4001G>A (p.Arg1334Gln), c.4001G>C (p.Arg1334Pro), and c.4001G>T (p.Arg1334Leu, are considered to be disease-causing (ClinVar variation ID: 89506, 233214, 2673898), suggesting that this position is important for the protein function. The available evidence is insufficient to determine the role of this variant in disease conclusively. Therefore, this variant is classified as a Variant of Uncertain Significance.

This study involves interpretation of variants in research participants for the purpose of population health screening. Participant phenotype was not available at the time of variant classification. Additional details can be found in publication PMID: 35346344, PMCID: PMC8962531

Baylor Genetics
Classification: Uncertain significance for Endometrial carcinoma. Last evaluated: 2024-03-29. Review status: criteria provided, single submitter. Criteria: ACMG Guidelines, 2015. Collection method: clinical testing. Allele origin: unknown.

GeneDx
Classification: Uncertain significance. Last evaluated: 2024-03-26. Review status: criteria provided, single submitter. Criteria: GeneDx Variant Classification Process June 2021. Collection method: clinical testing. Allele origin: germline. Affected: yes.
Comment: Observed in an individual with a personal and family history of colon cancer as well as in individuals with a personal history of breast and/or pancreatic cancer (PMID: 25559809, 29360161, 35449176, 33471991); In silico analysis supports that this missense variant has a deleterious effect on protein structure/function; This variant is associated with the following publications: (PMID: 25559809, 25275298, 29360161, 31391288, 23415222, 33471991, 25370038, 35449176, 17531815, 21120944, 12019211, 36243179)

Color Diagnostics, LLC DBA Color Health
Classification: Uncertain significance for Hereditary cancer-predisposing syndrome. Last evaluated: 2024-02-05. Review status: criteria provided, single submitter. Criteria: ACMG Guidelines, 2015. Collection method: clinical testing. Allele origin: germline.
Comment: This missense variant replaces arginine with tryptophan at codon 1334 of the MSH6 protein. Computational prediction is inconclusive regarding the impact of this variant on protein structure and function (internally defined REVEL score threshold 0.5 < inconclusive < 0.7, PMID: 27666373). To our knowledge, functional studies have not been reported for this variant. This variant has been reported in an individual affected by early-onset, familial colorectal cancer (PMID: 25559809) and in an individual affected with an unspecified cancer (PMID: 31391288). In a large breast cancer case-control study, this variant was reported in 6/60466 cases and 2/53461 unaffected controls (PMID: 33471991). This variant has been identified in 11/275890 chromosomes in the general population by the Genome Aggregation Database (gnomAD). Different variants affecting the same codon, c.4001G>A (p.Arg1334Gln), c.4001G>C (p.Arg1334Pro), and c.4001G>T (p.Arg1334Leu, are considered to be disease-causing (ClinVar variation ID: 89506, 233214, 2673898), suggesting that this position is important for the protein function. The available evidence is insufficient to determine the role of this variant in disease conclusively. Therefore, this variant is classified as a Variant of Uncertain Significance.

Ambry Genetics
Classification: Likely benign for Hereditary cancer-predisposing syndrome. Last evaluated: 2023-10-12. Review status: criteria provided, single submitter. Criteria: Ambry Variant Classification Scheme 2023. Collection method: clinical testing. Allele origin: germline.

Counsyl
Classification: Uncertain significance for Lynch syndrome 5. Last evaluated: 2015-12-28. Review status: no assertion criteria provided. Collection method: clinical testing. Allele origin: unknown. Not counted in ClinVar's aggregate classification.

Literature cited by the submitters: PubMed 27363726 (cited by Myriad Genetics, Inc.); PubMed 23415222 (cited by Women's Health and Genetics/Laboratory Corporation of America, LabCorp); PubMed 25559809 (cited by 6 submitters); PubMed 25275298 (cited by Women's Health and Genetics/Laboratory Corporation of America, LabCorp); PubMed 25370038 (cited by Women's Health and Genetics/Laboratory Corporation of America, LabCorp and Quest Diagnostics Nichols Institute San Juan Capistrano); PubMed 29360161 (cited by 3 submitters); PubMed 31391288 (cited by 4 submitters); PubMed 33471991 (cited by 4 submitters); PubMed 35449176 (cited by Women's Health and Genetics/Laboratory Corporation of America, LabCorp and Quest Diagnostics Nichols Institute San Juan Capistrano); PubMed 36243179 (cited by Quest Diagnostics Nichols Institute San Juan Capistrano).

NM_000179.3(MSH6):c.4000C>T (p.Arg1334Trp)

Gene: MSH6 (mutS homolog 6; plus strand). Cytogenetic location: 2p16.3.
Variant type: single nucleotide variant.
Coding change: c.4000C>T on transcript NM_000179.3 (MANE Select); coding-DNA position 4000, C replaced by T.
Protein change: p.Arg1334Trp; replaces arginine 1334 with tryptophan.
Molecular consequence: missense variant.
Genome position (GRCh38, 1-based): chr2:47,806,650, C>T. VCF-style: chr2-47806650-C-T. GRCh37 (hg19) VCF-style: chr2-48033789-C-T.
Other names: c.3610C>T, p.Arg1204Trp (NM_001281492.2); c.3094C>T, p.Arg1032Trp (NM_001281493.2, NM_001281494.2); short protein forms R1334W, R1032W, R1204W.
Identifiers: ClinVar variation 184389 (VCV000184389.39), dbSNP rs773763465, ClinGen allele CA015093.